The following is an entry in ClinVar:

NM_000612.6(IGF2):c.505G>T (p.Gly169Trp)

Genes: IGF2 (insulin like growth factor 2; minus strand), INS-IGF2 (INS-IGF2 readthrough; minus strand). Cytogenetic location: 11p15.5.
Variant type: single nucleotide variant.
Coding change: c.505G>T on transcript NM_000612.6 (MANE Select); coding-DNA position 505, G replaced by T.
Protein change: p.Gly169Trp; replaces glycine 169 with tryptophan.
Molecular consequence: missense variant. On other transcripts: non-coding transcript variant (1).
Genome position (GRCh38, 1-based): chr11:2,133,025, C>A on the plus strand (G>T on the coding strand, the complement: IGF2 is on the minus strand). VCF-style: chr11-2133025-C-A. GRCh37 (hg19) VCF-style: chr11-2154255-C-A.
Other names: c.505G>T, p.Gly169Trp (NM_001007139.6, NM_001291861.3, NM_001291862.3); c.673G>T, p.Gly225Trp (NM_001127598.3); short protein forms G169W, G225W.
Identifiers: ClinVar variation 2409469 (VCV002409469.5), dbSNP rs554804044, ClinGen allele CA5817589.

ClinVar aggregate classification (germline): Conflicting classifications of pathogenicity. Review status: criteria provided, conflicting classifications (1 of 4 stars). 2 submissions from 2 submitters: Uncertain significance (1); Likely benign (1). Last evaluated 2023-11-18.

Conditions:
Inborn genetic diseases. Identifiers: MedGen C0950123, MeSH D030342.

gnomAD v4.1: 74 of 1,557,890 alleles (0.0048%); highest among the groups gnomAD compares: South Asian, 0.082%; 1 homozygote.

Submissions (2):

Labcorp Genetics (formerly Invitae), Labcorp
Classification: Uncertain significance. Last evaluated: 2023-11-18. Review status: criteria provided, single submitter. Criteria: Invitae Variant Classification Sherloc (09022015). Collection method: clinical testing. Allele origin: germline.
Comment: This sequence change replaces glycine, which is neutral and non-polar, with tryptophan, which is neutral and slightly polar, at codon 169 of the IGF2 protein (p.Gly169Trp). This variant is present in population databases (rs554804044, gnomAD 0.07%), and has an allele count higher than expected for a pathogenic variant. This variant has not been reported in the literature in individuals affected with IGF2-related conditions. ClinVar contains an entry for this variant (Variation ID: 2409469). An algorithm developed to predict the effect of missense changes on protein structure and function (PolyPhen-2) suggests that this variant is likely to be tolerated. In summary, the available evidence is currently insufficient to determine the role of this variant in disease. Therefore, it has been classified as a Variant of Uncertain Significance.

Ambry Genetics
Classification: Likely benign for Inborn genetic diseases. Last evaluated: 2022-03-29. Review status: criteria provided, single submitter. Criteria: Ambry Variant Classification Scheme 2023. Collection method: clinical testing. Allele origin: germline.